The following is an entry in ClinVar:

ClinVar aggregate classification (germline): Pathogenic (1 of 4 stars; one submission).

Conditions:
Hereditary cancer-predisposing syndrome. Also called: Neoplastic Syndromes, Hereditary; Tumor predisposition; Hereditary neoplastic syndrome; Hereditary Cancer Syndrome. Identifiers: Orphanet 140162, MedGen C0027672, MeSH D009386, MONDO:0015356.

Submission:

Ambry Genetics
Classification: Pathogenic for Hereditary cancer-predisposing syndrome. Last evaluated: 2024-03-14. Review status: criteria provided, single submitter. Criteria: Ambry Variant Classification Scheme 2023. Collection method: clinical testing. Allele origin: germline.
Comment: The c.2832delC pathogenic mutation, located in coding exon 18 of the SMARCA4 gene, results from a deletion of one nucleotide at nucleotide position 2832, causing a translational frameshift with a predicted alternate stop codon (p.N944Kfs*6). This alteration is expected to result in loss of function by premature protein truncation or nonsense-mediated mRNA decay. Loss-of-function variants in SMARCA4 are known to cause rhabdoid tumor predisposition syndrome including small cell carcinoma of the ovary-hypercalcemic type (SCCOHT); however, such associations with neurodevelopmental disorders are exceedingly rare (Kosho T et al. Am J Med Genet C Semin Med Genet. 2014 Sep;166C(3):262-75; Jelinic P et al. Nat Genet. 2014 May;46(5):424-6). Based on the supporting evidence, this alteration is pathogenic for rhabdoid tumor predisposition syndrome; however, the association of this alteration with Coffin-Siris syndrome is unlikely.

NM_003072.5(SMARCA4):c.2832del (p.Asn944fs)

Gene: SMARCA4 (SWI/SNF related BAF chromatin remodeling complex subunit ATPase 4; plus strand). Cytogenetic location: 19p13.2.
Variant type: Deletion.
Coding change: c.2832del on transcript NM_003072.5 (MANE Select); coding-DNA position 2832, one base deleted (C; older notation c.2832delC).
Protein change: p.Asn944fs; shifts the reading frame from asparagine 944.
Molecular consequence: frameshift variant. On other transcripts: non-coding transcript variant (1).
Genome position (GRCh38, 1-based): chr19:11,021,940, C deleted. VCF-style (leftmost placement, unchanged base first): chr19-11021939-AC-A. GRCh37 (hg19) VCF-style: chr19-11132615-AC-A.
Other names: c.2832del, p.Asn944fs (NM_001128844.3, NM_001128845.2, NM_001128846.2 and 6 more transcripts); short protein forms N944fs.
Identifiers: ClinVar variation 3233098 (VCV003233098.1), dbSNP rs2497758301, ClinGen allele CA2825002741.